The following is an entry in ClinVar:

NM_020800.3(IFT80):c.269A>G (p.His90Arg)

Genes: IFT80 (intraflagellar transport 80; minus strand), TRIM59-IFT80 (TRIM59-IFT80 readthrough (NMD candidate); minus strand). Cytogenetic location: 3q25.33.
Variant type: single nucleotide variant.
Coding change: c.269A>G on transcript NM_020800.3 (MANE Select); coding-DNA position 269, A replaced by G.
Protein change: p.His90Arg; replaces histidine 90 with arginine.
Molecular consequence: missense variant. On other transcripts: non-coding transcript variant (2), 5 prime UTR variant (2).
Genome position (GRCh38, 1-based): chr3:160,377,531, T>C on the plus strand (A>G on the coding strand, the complement: IFT80 is on the minus strand). VCF-style: chr3-160377531-T-C. GRCh37 (hg19) VCF-style: chr3-160095319-T-C.
Other names: c.-143A>G (NM_001190241.2, NM_001190242.2); c.269A>G (NM_020800.2); short protein forms H90R.
Identifiers: ClinVar variation 1046946 (VCV001046946.7), dbSNP rs762134619, ClinGen allele CA2685537.

ClinVar aggregate classification (germline): Uncertain significance. Review status: criteria provided, multiple submitters, no conflicts (2 of 4 stars). 2 submissions from 2 submitters: Uncertain significance (2). Last evaluated 2025-11-11.

Conditions:
Inborn genetic diseases. Identifiers: MedGen C0950123, MeSH D030342.
Jeune thoracic dystrophy. Also called: Jeune syndrome; Infantile thoracic dystrophy; Thoracic pelvic phalangeal dystrophy; Jeune's syndrome; Chondroectodermal dysplasia-like syndrome; Short-rib thoracic dysplasia. Identifiers: Orphanet 474, MedGen C0265275, MONDO:0018770.

Allele frequency attached by ClinVar (database versions not stated): gnomAD 0.00001; TOPMed 0.00001.
gnomAD v4.1: 5 of 1,589,480 alleles (0.00031%); highest among the groups gnomAD compares: Admixed American, 0.0017%; no homozygotes.

Submissions (2):

Ambry Genetics
Classification: Uncertain significance for Inborn genetic diseases. Last evaluated: 2025-11-11. Review status: criteria provided, single submitter. Criteria: Ambry Variant Classification Scheme 2023. Collection method: clinical testing. Allele origin: germline.

Labcorp Genetics (formerly Invitae), Labcorp
Classification: Uncertain significance for Jeune thoracic dystrophy. Last evaluated: 2023-08-17. Review status: criteria provided, single submitter. Criteria: Invitae Variant Classification Sherloc (09022015). Collection method: clinical testing. Allele origin: germline.
Comment: In summary, the available evidence is currently insufficient to determine the role of this variant in disease. Therefore, it has been classified as a Variant of Uncertain Significance. Advanced modeling of protein sequence and biophysical properties (such as structural, functional, and spatial information, amino acid conservation, physicochemical variation, residue mobility, and thermodynamic stability) performed at Invitae indicates that this missense variant is not expected to disrupt IFT80 protein function. ClinVar contains an entry for this variant (Variation ID: 1046946). This variant has not been reported in the literature in individuals affected with IFT80-related conditions. This variant is not present in population databases (gnomAD no frequency). This sequence change replaces histidine, which is basic and polar, with arginine, which is basic and polar, at codon 90 of the IFT80 protein (p.His90Arg).